The following is an entry in ClinVar:

NM_001613.4(ACTA2):c.807C>A (p.Ile269=)

Genes: ACTA2-AS1 (ACTA2 antisense RNA 1; plus strand), ACTA2 (actin alpha 2, smooth muscle; minus strand). Cytogenetic location: 10q23.31.
Variant type: single nucleotide variant.
Coding change: c.807C>A on transcript NM_001613.4 (MANE Select); coding-DNA position 807, C replaced by A.
Protein change: p.Ile269=; no amino-acid change (isoleucine 269 retained).
Molecular consequence: synonymous variant. On other transcripts: non-coding transcript variant (1), intron variant (1).
Genome position (GRCh38, 1-based): chr10:88,939,508, G>T on the plus strand (C>A on the coding strand, the complement: ACTA2 is on the minus strand). VCF-style: chr10-88939508-G-T. GRCh37 (hg19) VCF-style: chr10-90699265-G-T.
Other names: c.807C>A, p.Ile269= (NM_001141945.3, NM_001320855.2, NM_001406462.1 and 2 more transcripts); c.696C>A, p.Ile232= (NM_001406466.1); c.678C>A, p.Ile226= (NM_001406467.1, NM_001406468.1, NM_001406469.1); c.617-1266C>A (NM_001406471.1).
Identifiers: ClinVar variation 3075540 (VCV003075540.1), dbSNP rs112208466, ClinGen allele CA470731022.

ClinVar aggregate classification (germline): Likely benign (1 of 4 stars; one submission).

Conditions:
Familial thoracic aortic aneurysm and aortic dissection (TAAD). Also called: Thoracic aortic aneurysms and dissections. Identifiers: Orphanet 91387, MedGen C4707243, MONDO:0019625.

gnomAD v4.1: 2 of 1,613,028 alleles (0.00012%); highest among the groups gnomAD compares: South Asian, 0.0011%; no homozygotes.

Submission:

All of Us Research Program, National Institutes of Health
Classification: Likely benign for Familial thoracic aortic aneurysm and aortic dissection. Last evaluated: 2023-05-31. Review status: criteria provided, single submitter. Criteria: ACMG Guidelines, 2015. Collection method: clinical testing. Allele origin: germline. Inheritance: Autosomal dominant inheritance. Observed: 1 variant allele, 1 heterozygote.
Comment: This study involves interpretation of variants in research participants for the purpose of population health screening. Participant phenotype was not available at the time of variant classification. Additional details can be found in publication PMID: 35346344, PMCID: PMC8962531